The following is an entry in ClinVar:

NM_016169.4(SUFU):c.1296+10C>T

Gene: SUFU (SUFU negative regulator of hedgehog signaling; plus strand). Cytogenetic location: 10q24.32.
Variant type: single nucleotide variant.
Coding change: c.1296+10C>T on transcript NM_016169.4 (MANE Select); 10 bases into the intron after coding-DNA position 1296, C replaced by T.
Molecular consequence: intron variant.
Genome position (GRCh38, 1-based): chr10:102,617,438, C>T. VCF-style: chr10-102617438-C-T. GRCh37 (hg19) VCF-style: chr10-104377195-C-T.
Other names: c.1296+10C>T (NM_001178133.2).
Identifiers: ClinVar variation 2935128 (VCV002935128.3), dbSNP rs2135935595, ClinGen allele CA377916773.
Genomic context (GRCh38, chr10:102,617,438, plus strand): 5'-GCCTTTGCCACTGAGGAGCATCCTTACGCGGCTCATGGACCCTGGTTACAAGTGAGAAGG[C>T]CCTTTTTCTTCTCCCTCCTTCCTTTCATAGACTTCCTTGCCCACCCCTCCTCTTCTCCCT-3'

ClinVar aggregate classification (germline): Uncertain significance (1 of 4 stars; one submission).

Conditions:
Medulloblastoma (MDB). Also called: Medulloblastoma, somatic; MEDULLOBLASTOMA PREDISPOSITION SYNDROME. Identifiers: Orphanet 616, MedGen C0025149, MeSH D008527, MONDO:0007959, OMIM 155255, HP:0002885.
Gorlin syndrome. Also called: Basal cell nevus syndrome; Nevoid Basal Cell Carcinoma Syndrome. Identifiers: Orphanet 377, MedGen C0004779, MONDO:0007187.

Submission:

Labcorp Genetics (formerly Invitae), Labcorp
Classification: Uncertain significance for Gorlin syndrome; Medulloblastoma. Last evaluated: 2023-10-07. Review status: criteria provided, single submitter. Criteria: Invitae Variant Classification Sherloc (09022015). Collection method: clinical testing. Allele origin: germline.
Comment: This sequence change falls in intron 10 of the SUFU gene. It does not directly change the encoded amino acid sequence of the SUFU protein. This variant is not present in population databases (gnomAD no frequency). This variant has not been reported in the literature in individuals affected with SUFU-related conditions. Algorithms developed to predict the effect of sequence changes on RNA splicing suggest that this variant may create or strengthen a splice site. In summary, the available evidence is currently insufficient to determine the role of this variant in disease. Therefore, it has been classified as a Variant of Uncertain Significance.